The following is an entry in ClinVar:

NM_000081.4(LYST):c.1202T>G (p.Leu401Ter)

Gene: LYST (lysosomal trafficking regulator; minus strand). Cytogenetic location: 1q42.3.
Variant type: single nucleotide variant.
Coding change: c.1202T>G on transcript NM_000081.4 (MANE Select); coding-DNA position 1202, T replaced by G.
Protein change: p.Leu401Ter; replaces leucine 401 with a stop codon.
Molecular consequence: nonsense.
Genome position (GRCh38, 1-based): chr1:235,809,616, A>C on the plus strand (T>G on the coding strand, the complement: LYST is on the minus strand). VCF-style: chr1-235809616-A-C. GRCh37 (hg19) VCF-style: chr1-235972916-A-C.
Other names: c.1202T>G, p.Leu401Ter (NM_001301365.1); short protein forms L401*.
Identifiers: ClinVar variation 2756252 (VCV002756252.3), dbSNP rs1281525479, ClinGen allele CA344962938.

ClinVar aggregate classification (germline): Pathogenic (1 of 4 stars; one submission).

Conditions:
Chédiak-Higashi syndrome (CHS). Also called: Chediak-Higashi Syndrome. Identifiers: Orphanet 167, MedGen C0007965, MONDO:0008963, OMIM 214500.

Submission:

Labcorp Genetics (formerly Invitae), Labcorp
Classification: Pathogenic for Chédiak-Higashi syndrome. Last evaluated: 2023-08-29. Review status: criteria provided, single submitter. Criteria: Invitae Variant Classification Sherloc (09022015). Collection method: clinical testing. Allele origin: germline.
Comment: For these reasons, this variant has been classified as Pathogenic. This variant has not been reported in the literature in individuals affected with LYST-related conditions. This variant is not present in population databases (gnomAD no frequency). This sequence change creates a premature translational stop signal (p.Leu401*) in the LYST gene. It is expected to result in an absent or disrupted protein product. Loss-of-function variants in LYST are known to be pathogenic (PMID: 9215679, 11857544).

Literature cited by the submitters: PubMed 9215679; PubMed 11857544.